The following is an entry in ClinVar:

ClinVar aggregate classification (germline): Pathogenic/Likely pathogenic. Review status: criteria provided, multiple submitters, no conflicts (2 of 4 stars). 5 submissions from 5 submitters: Pathogenic (3); Likely pathogenic (1). 1 of the submissions does not count toward it. Last evaluated 2025-01-07.

Conditions:
SLC39A4-related disorder. Also called: SLC39A4-related condition.
Hereditary acrodermatitis enteropathica (AEZ). Also called: Acrodermatitis enteropathica. Identifiers: Orphanet 37, MedGen C0221036, MONDO:0008713, OMIM 201100.

Allele frequency attached by ClinVar (database versions not stated): gnomAD exomes 0.00001; TOPMed 0.00001; gnomAD 0.00002.
gnomAD v4.1: 15 of 1,582,794 alleles (0.00095%); highest among the groups gnomAD compares: East Asian, 0.0069%; no homozygotes.

Submissions (5):

Natera, Inc.
Classification: Likely pathogenic for Acrodermatitis enteropathica. Last evaluated: 2025-01-07. Review status: criteria provided, single submitter. Criteria: Natera Variant Classification Schema (03/2026). Collection method: clinical testing. Allele origin: germline.
Comment: The c.283C>T variant in SLC39A4 is a missense variant predicted to cause substitution of arginine to cysteine at amino acid 95. This variant is rare in the general population with a frequency below the threshold expected for the associated phenotype(s). This variant has been observed in one or more individuals affected with the associated recessive disease, as either homozygous or compound heterozygous with a second variant (PMID: 21165302, 12787121, 34625996). Functional studies show that this variant may disrupt protein function (PMID: 33837739). Computational prediction algorithms indicate this variant is likely to affect gene or protein function. Given the available evidence, this variant is classified as Likely Pathogenic.

Labcorp Genetics (formerly Invitae), Labcorp
Classification: Pathogenic. Last evaluated: 2024-02-04. Review status: criteria provided, single submitter. Criteria: Invitae Variant Classification Sherloc (09022015). Collection method: clinical testing. Allele origin: germline.
Comment: This sequence change replaces arginine, which is basic and polar, with cysteine, which is neutral and slightly polar, at codon 95 of the SLC39A4 protein (p.Arg95Cys). The frequency data for this variant in the population databases is considered unreliable, as metrics indicate poor data quality at this position in the gnomAD database. This missense change has been observed in individual(s) with acrodermatitis enteropathica (PMID: 12787121, 21165302, 34625996). In at least one individual the data is consistent with being in trans (on the opposite chromosome) from a pathogenic variant. ClinVar contains an entry for this variant (Variation ID: 3544). An algorithm developed to predict the effect of missense changes on protein structure and function (PolyPhen-2) suggests that this variant is likely to be disruptive. Experimental studies have shown that this missense change affects SLC39A4 function (PMID: 33837739). For these reasons, this variant has been classified as Pathogenic.

Women's Health and Genetics/Laboratory Corporation of America, LabCorp
Classification: Pathogenic for Hereditary acrodermatitis enteropathica. Last evaluated: 2023-06-26. Review status: criteria provided, single submitter. Criteria: LabCorp Variant Classification Summary - May 2015. Collection method: clinical testing. Allele origin: germline.
Comment: Variant summary: SLC39A4 c.283C>T (p.Arg95Cys) results in a non-conservative amino acid change located in the Zinc transporter ZIP4, N-terminal domain (IPR041137) of the encoded protein sequence. Four of five in-silico tools predict a damaging effect of the variant on protein function. The variant allele was found at a frequency of 9.9e-06 in 202420 control chromosomes (gnomAD). c.283C>T has been reported in the literature in several compound heterozygous individuals affected with Acrodermatitis Enteropathica (e.g. Nakano_2003, Park_2010, Ichiki_2021). These data indicate that the variant is likely to be associated with disease. When assayed using HEK293 cells, cells transfected with the variant had similar zinc transport activity as cells transfected with an empty vector, indicating total loss of function (Kuliyev_2021). This is presumed to be due to mistrafficking of the protein, which is retained within the ER and not at the cell surface (Kuliyev_2021). The following publications have been ascertained in the context of this evaluation (PMID: 34625996, 33837739, 12787121, 21165302). One ClinVar submitter has assessed the variant since 2014, and has classified the variant as likely pathogenic. Based on the evidence outlined above, the variant was classified as pathogenic.

Blueprint Genetics
Classification: Pathogenic for SLC39A4-related disorders. Last evaluated: 2022-09-09. Review status: criteria provided, single submitter. Criteria: ACMG Guidelines, 2015. Collection method: clinical testing. Allele origin: germline. Affected: yes. Observed: 4 variant alleles.

OMIM
Classification: Pathogenic for ACRODERMATITIS ENTEROPATHICA. Last evaluated: 2003-06-01. Review status: no assertion criteria provided. Collection method: literature only. Allele origin: germline. Not counted in ClinVar's aggregate classification.

Literature cited by the submitters: PubMed 21165302 (cited by 3 submitters); PubMed 12787121 (cited by 4 submitters); PubMed 34625996 (cited by 3 submitters); PubMed 33837739 (cited by 3 submitters).

NM_130849.4(SLC39A4):c.283C>T (p.Arg95Cys)

Gene: SLC39A4 (solute carrier family 39 member 4; minus strand). Cytogenetic location: 8q24.3.
Variant type: single nucleotide variant.
Coding change: c.283C>T on transcript NM_130849.4 (MANE Select); coding-DNA position 283, C replaced by T.
Protein change: p.Arg95Cys; replaces arginine 95 with cysteine.
Molecular consequence: missense variant.
Genome position (GRCh38, 1-based): chr8:144,416,001, G>A on the plus strand (C>T on the coding strand, the complement: SLC39A4 is on the minus strand). VCF-style: chr8-144416001-G-A. GRCh37 (hg19) VCF-style: chr8-145641385-G-A.
Other names: c.208C>T, p.Arg70Cys (NM_017767.3); c.283C>T (NM_130849.3); short protein forms R95C, R70C.
Identifiers: ClinVar variation 3544 (VCV000003544.9), dbSNP rs121434292, ClinGen allele CA116339.